The following is an entry in ClinVar:

NM_006389.5(HYOU1):c.83C>T (p.Ala28Val)

Gene: HYOU1 (hypoxia up-regulated 1; minus strand). Cytogenetic location: 11q23.3.
Variant type: single nucleotide variant.
Coding change: c.83C>T on transcript NM_006389.5 (MANE Select); coding-DNA position 83, C replaced by T.
Protein change: p.Ala28Val; replaces alanine 28 with valine.
Molecular consequence: missense variant.
Genome position (GRCh38, 1-based): chr11:119,056,078, G>A on the plus strand (C>T on the coding strand, the complement: HYOU1 is on the minus strand). VCF-style: chr11-119056078-G-A.
Other names: c.83C>T, p.Ala28Val (NM_001130991.3, NM_001411041.1); short protein forms A28V.
Identifiers: ClinVar variation 4804916 (VCV004804916.1).

ClinVar aggregate classification (germline): Uncertain significance (1 of 4 stars; one submission).

gnomAD v4.1: 4 of 1,613,696 alleles (0.00025%); highest among the groups gnomAD compares: Non-Finnish European, 0.00034%; no homozygotes.

Submission:

Labcorp Genetics (formerly Invitae), Labcorp
Classification: Uncertain significance. Last evaluated: 2025-08-12. Review status: criteria provided, single submitter. Criteria: Invitae Variant Classification Sherloc (09022015). Collection method: clinical testing. Allele origin: germline.
Comment: This sequence change replaces alanine, which is neutral and non-polar, with valine, which is neutral and non-polar, at codon 28 of the HYOU1 protein (p.Ala28Val). This variant is not present in population databases (gnomAD no frequency). This variant has not been reported in the literature in individuals affected with HYOU1-related conditions. An algorithm developed to predict the effect of missense changes on protein structure and function outputs the following: PolyPhen-2: "Not Available". The valine amino acid residue is found in multiple mammalian species, which suggests that this missense change does not adversely affect protein function. In summary, the available evidence is currently insufficient to determine the role of this variant in disease. Therefore, it has been classified as a Variant of Uncertain Significance.